The following is an entry in ClinVar:

NM_000384.3(APOB):c.10505G>A (p.Gly3502Asp)

Gene: APOB (apolipoprotein B; minus strand). Cytogenetic location: 2p24.1.
Variant type: single nucleotide variant.
Coding change: c.10505G>A on transcript NM_000384.3 (MANE Select); coding-DNA position 10505, G replaced by A.
Protein change: p.Gly3502Asp; replaces glycine 3502 with aspartic acid.
Molecular consequence: missense variant.
Genome position (GRCh38, 1-based): chr2:21,006,363, C>T on the plus strand (G>A on the coding strand, the complement: APOB is on the minus strand). VCF-style: chr2-21006363-C-T. GRCh37 (hg19) VCF-style: chr2-21229235-C-T.
Other names: short protein forms G3502D.
Identifiers: ClinVar variation 5026558 (VCV005026558.1).

ClinVar aggregate classification (germline): Uncertain significance (1 of 4 stars; one submission).

Conditions:
Cardiovascular phenotype. Identifiers: MedGen CN230736.

gnomAD v4.1: 2 of 1,613,870 alleles (0.00012%); highest among the groups gnomAD compares: African/African-American, 0.0027%; no homozygotes.

Submission:

Ambry Genetics
Classification: Uncertain significance for Cardiovascular phenotype. Last evaluated: 2026-08-29. Review status: criteria provided, single submitter. Criteria: Ambry Variant Classification Scheme 2023. Collection method: clinical testing. Allele origin: germline.
Comment: The p.G3502D variant (also known as c.10505G>A), located in coding exon 26 of the APOB gene, results from a G to A substitution at nucleotide position 10505. The glycine at codon 3502 is replaced by aspartic acid, an amino acid with similar properties. This amino acid position is conserved. In addition, the in silico prediction for this alteration is inconclusive. Based on the available evidence, the clinical significance of this variant remains unclear.